The following is an entry in ClinVar:

ClinVar aggregate classification (germline): Uncertain significance. Review status: criteria provided, multiple submitters, no conflicts (2 of 4 stars). 3 submissions from 3 submitters: Uncertain significance (3). Last evaluated 2023-03-27.

Conditions:
Heyn-Sproul-Jackson syndrome. Also called: MICROCEPHALY, SHORT STATURE, AND IMPAIRED INTELLECTUAL DEVELOPMENT. Identifiers: Orphanet 658595, MedGen C5231475, MONDO:0032882, OMIM 618724.
Acute myeloid leukemia (AML). Also called: Leukemia, acute myeloid, somatic; Leukemia, acute myelogenous, somatic; Acute myeloid leukemia, adult; AML adult; Acute non-lymphocytic leukemia; Acute granulocytic leukemia. Identifiers: Orphanet 519, MedGen C0023467, MeSH D015470, MONDO:0018874, OMIM 601626, HP:0004808. Disease mechanism: Constitutively activated FLT3.
Tatton-Brown-Rahman overgrowth syndrome. Also called: Tatton-Brown-Rahman syndrome; Tall stature-intellectual disability-facial dysmorphism syndrome. Identifiers: Orphanet 404443, MedGen C4014545, MONDO:0014382, OMIM 615879.

Allele frequency attached by ClinVar (database versions not stated): gnomAD exomes below 0.00001; TOPMed below 0.00001.
gnomAD v4.1: 4 of 1,611,966 alleles (0.00025%); highest among the groups gnomAD compares: Non-Finnish European, 0.00034%; no homozygotes.

Submissions (3):

Labcorp Genetics (formerly Invitae), Labcorp
Classification: Uncertain significance for Tatton-Brown-Rahman overgrowth syndrome. Last evaluated: 2023-03-27. Review status: criteria provided, single submitter. Criteria: Invitae Variant Classification Sherloc (09022015). Collection method: clinical testing. Allele origin: germline.
Comment: This missense change has been observed in individual(s) with DNMT3A-related conditions (PMID: 25650308). In summary, the available evidence is currently insufficient to determine the role of this variant in disease. Therefore, it has been classified as a Variant of Uncertain Significance. Advanced modeling of protein sequence and biophysical properties (such as structural, functional, and spatial information, amino acid conservation, physicochemical variation, residue mobility, and thermodynamic stability) performed at Invitae indicates that this missense variant is not expected to disrupt DNMT3A protein function. ClinVar contains an entry for this variant (Variation ID: 1318898). This variant is not present in population databases (gnomAD no frequency). This sequence change replaces lysine, which is basic and polar, with arginine, which is basic and polar, at codon 219 of the DNMT3A protein (p.Lys219Arg).

GeneDx
Classification: Uncertain significance. Last evaluated: 2023-03-25. Review status: criteria provided, single submitter. Criteria: GeneDx Variant Classification Process June 2021. Collection method: clinical testing. Allele origin: germline. Affected: yes.
Comment: Not observed at significant frequency in large population cohorts (gnomAD); In silico analysis supports that this missense variant does not alter protein structure/function; Has not been previously published as pathogenic or benign to our knowledge; This variant is associated with the following publications: (PMID: 25650308)

Fulgent Genetics
Classification: Uncertain significance for Acute myeloid leukemia; Tatton-Brown-Rahman overgrowth syndrome; Heyn-Sproul-Jackson syndrome. Last evaluated: 2021-08-06. Review status: criteria provided, single submitter. Criteria: ACMG Guidelines, 2015. Collection method: clinical testing. Allele origin: unknown.

Literature cited by the submitters: PubMed 25650308 (cited by Labcorp Genetics (formerly Invitae), Labcorp).

NM_022552.5(DNMT3A):c.656A>G (p.Lys219Arg)

Gene: DNMT3A (DNA methyltransferase 3 alpha; minus strand). Cytogenetic location: 2p23.3.
Variant type: single nucleotide variant.
Coding change: c.656A>G on transcript NM_022552.5 (MANE Select); coding-DNA position 656, A replaced by G.
Protein change: p.Lys219Arg; replaces lysine 219 with arginine.
Molecular consequence: missense variant. On other transcripts: 5 prime UTR variant (1), non-coding transcript variant (1).
Genome position (GRCh38, 1-based): chr2:25,248,236, T>C on the plus strand (A>G on the coding strand, the complement: DNMT3A is on the minus strand). VCF-style: chr2-25248236-T-C. GRCh37 (hg19) VCF-style: chr2-25471105-T-C.
Other names: c.200A>G, p.Lys67Arg (NM_001320893.1); c.-14A>G (NM_001375819.1); c.89A>G, p.Lys30Arg (NM_153759.3); c.656A>G, p.Lys219Arg (NM_175629.2); short protein forms K219R, K30R, K67R.
Identifiers: ClinVar variation 1318898 (VCV001318898.7), dbSNP rs950156492, ClinGen allele CA43707034.